The following is an entry in ClinVar:

ClinVar aggregate classification (germline): Likely pathogenic (1 of 4 stars; one submission).

Submission:

Labcorp Genetics (formerly Invitae), Labcorp
Classification: Likely pathogenic. Last evaluated: 2023-03-10. Review status: criteria provided, single submitter. Criteria: Invitae Variant Classification Sherloc (09022015). Collection method: clinical testing. Allele origin: germline.
Comment: In summary, the currently available evidence indicates that the variant is pathogenic, but additional data are needed to prove that conclusively. Therefore, this variant has been classified as Likely Pathogenic. Algorithms developed to predict the effect of sequence changes on RNA splicing suggest that this variant may disrupt the consensus splice site. This variant has not been reported in the literature in individuals affected with FRAS1-related conditions. This variant is not present in population databases (gnomAD no frequency). This sequence change affects a donor splice site in intron 4 of the FRAS1 gene. It is expected to disrupt RNA splicing. Variants that disrupt the donor or acceptor splice site typically lead to a loss of protein function (PMID: 16199547), and loss-of-function variants in FRAS1 are known to be pathogenic (PMID: 12766769, 18671281).

Literature cited by the submitters: PubMed 16199547; PubMed 12766769; PubMed 18671281.

NM_025074.7(FRAS1):c.309+1G>A

Gene: FRAS1 (Fraser extracellular matrix complex subunit 1; plus strand). Cytogenetic location: 4q21.21.
Variant type: single nucleotide variant.
Coding change: c.309+1G>A on transcript NM_025074.7 (MANE Select); the canonical splice donor site of the intron after coding-DNA position 309, G replaced by A.
Molecular consequence: splice donor variant.
Genome position (GRCh38, 1-based): chr4:78,245,326, G>A. VCF-style: chr4-78245326-G-A. GRCh37 (hg19) VCF-style: chr4-79166480-G-A.
Other names: c.309+1G>A (NM_001166133.2).
Identifiers: ClinVar variation 2844719 (VCV002844719.3), dbSNP rs2476499461, ClinGen allele CA357351948.
Genomic context (GRCh38, chr4:78,245,326, plus strand): 5'-TGTCCTGAGTGTGTTTTGAGGACTCCAGGATCTTGCCATCATGAAAAGAAAATCCATGAG[G>A]TAAGTGTTTTCTGACTCACGGTTGATTCTGTGTCTGCAGATCTCTGACAAGGGAAAAGCT-3'